The following is an entry in ClinVar:

NM_144573.4(NEXN):c.1747T>C (p.Trp583Arg)

Gene: NEXN (nexilin F-actin binding protein; plus strand). Cytogenetic location: 1p31.1.
Variant type: single nucleotide variant.
Coding change: c.1747T>C on transcript NM_144573.4 (MANE Select); coding-DNA position 1747, T replaced by C.
Protein change: p.Trp583Arg; replaces tryptophan 583 with arginine.
Molecular consequence: missense variant.
Genome position (GRCh38, 1-based): chr1:77,942,548, T>C. VCF-style: chr1-77942548-T-C. GRCh37 (hg19) VCF-style: chr1-78408233-T-C.
Other names: c.1555T>C, p.Trp519Arg (NM_001172309.2); short protein forms W583R, W519R.
Identifiers: ClinVar variation 1417615 (VCV001417615.6), dbSNP rs1223656449, ClinGen allele CA340882304.

ClinVar aggregate classification (germline): Uncertain significance. Review status: criteria provided, multiple submitters, no conflicts (2 of 4 stars). 2 submissions from 2 submitters: Uncertain significance (2). Last evaluated 2024-07-11.

Conditions:
Hypertrophic cardiomyopathy 20. Identifiers: MedGen C3151267, MONDO:0013477, OMIM 613876.
Dilated cardiomyopathy 1CC (CMD1CC). Identifiers: Orphanet 154, MedGen C2751084, MONDO:0013147, OMIM 613122.
Cardiovascular phenotype. Identifiers: MedGen CN230736.

Allele frequency attached by ClinVar (database versions not stated): gnomAD exomes below 0.00001; TOPMed below 0.00001; gnomAD 0.00001.
gnomAD v4.1: 3 of 1,613,780 alleles (0.00019%); highest among the groups gnomAD compares: Non-Finnish European, 0.00025%; no homozygotes.

Submissions (2):

Ambry Genetics
Classification: Uncertain significance for Cardiovascular phenotype. Last evaluated: 2024-07-11. Review status: criteria provided, single submitter. Criteria: Ambry Variant Classification Scheme 2023. Collection method: clinical testing. Allele origin: germline.
Comment: The p.W583R variant (also known as c.1747T>C), located in coding exon 12 of the NEXN gene, results from a T to C substitution at nucleotide position 1747. The tryptophan at codon 583 is replaced by arginine, an amino acid with dissimilar properties. This amino acid position is highly conserved in available vertebrate species. In addition, this alteration is predicted to be deleterious by in silico analysis. Since supporting evidence is limited at this time, the clinical significance of this alteration remains unclear.

Labcorp Genetics (formerly Invitae), Labcorp
Classification: Uncertain significance for Dilated cardiomyopathy 1CC; Hypertrophic cardiomyopathy 20. Last evaluated: 2021-09-25. Review status: criteria provided, single submitter. Criteria: Invitae Variant Classification Sherloc (09022015). Collection method: clinical testing. Allele origin: germline.
Comment: This sequence change replaces tryptophan with arginine at codon 583 of the NEXN protein (p.Trp583Arg). The tryptophan residue is highly conserved and there is a moderate physicochemical difference between tryptophan and arginine. This variant is not present in population databases (ExAC no frequency). This variant has not been reported in the literature in individuals affected with NEXN-related conditions. Algorithms developed to predict the effect of missense changes on protein structure and function are either unavailable or do not agree on the potential impact of this missense change (SIFT: "Deleterious"; PolyPhen-2: "Possibly Damaging"; Align-GVGD: "Class C0"). In summary, the available evidence is currently insufficient to determine the role of this variant in disease. Therefore, it has been classified as a Variant of Uncertain Significance.